The following is an entry in ClinVar:

NM_006258.4(PRKG1):c.389T>C (p.Ile130Thr)

Gene: PRKG1 (protein kinase cGMP-dependent 1; plus strand). Cytogenetic location: 10q21.1.
Variant type: single nucleotide variant.
Coding change: c.389T>C on transcript NM_006258.4 (MANE Select); coding-DNA position 389, T replaced by C.
Protein change: p.Ile130Thr; replaces isoleucine 130 with threonine.
Molecular consequence: missense variant.
Genome position (GRCh38, 1-based): chr10:51,153,241, T>C. VCF-style: chr10-51153241-T-C. GRCh37 (hg19) VCF-style: chr10-52913001-T-C.
Other names: c.344T>C, p.Ile115Thr (LRG_1135t2, NM_001098512.3); c.389T>C, p.Ile130Thr (LRG_1135t1); short protein forms I115T, I130T.
Identifiers: ClinVar variation 444213 (VCV000444213.45), dbSNP rs771121101, ClinGen allele CA5503120.

ClinVar aggregate classification (germline): Uncertain significance. Review status: criteria provided, multiple submitters, no conflicts (2 of 4 stars). 3 submissions from 3 submitters: Uncertain significance (3). Last evaluated 2020-10-15.

Conditions:
Connective tissue disorder. Also called: Connective tissue disease. Identifiers: MedGen C0009782, MONDO:0003900.

Allele frequency attached by ClinVar (database versions not stated): gnomAD exomes below 0.00001; ExAC 0.00001.
gnomAD v4.1: 2 of 1,612,498 alleles (0.00012%); highest among the groups gnomAD compares: Non-Finnish European, 0.000085%; no homozygotes.

Submissions (3):

GeneDx
Classification: Uncertain significance. Last evaluated: 2020-10-15. Review status: criteria provided, single submitter. Criteria: GeneDx Variant Classification Process June 2021. Collection method: clinical testing. Allele origin: germline. Affected: yes.
Comment: Not observed in large population cohorts (Lek et al., 2016); In silico analysis supports that this missense variant has a deleterious effect on protein structure/function; Has not been previously published as pathogenic or benign to our knowledge; Reported in ClinVar as a variant of uncertain significance (ClinVar Variant ID# 444213; Landrum et al., 2016)

CeGaT Center for Human Genetics Tuebingen
Classification: Uncertain significance. Last evaluated: 2017-05-01. Review status: criteria provided, single submitter. Criteria: CeGaT Center For Human Genetics Tuebingen Variant Classification Criteria Version 2. Collection method: clinical testing. Allele origin: germline. Affected: yes. Observed: 1 variant allele.

Center for Human Genetics, Inc
Classification: Uncertain significance for Connective tissue disorder. Last evaluated: 2016-11-01. Review status: criteria provided, single submitter. Criteria: ACMG Guidelines, 2015. Collection method: clinical testing. Allele origin: germline. Affected: yes.